The following is an entry in ClinVar:

NM_000153.4(GALC):c.1744G>A (p.Val582Ile)

Gene: GALC (galactosylceramidase; minus strand). Cytogenetic location: 14q31.3.
Variant type: single nucleotide variant.
Coding change: c.1744G>A on transcript NM_000153.4 (MANE Select); coding-DNA position 1744, G replaced by A.
Protein change: p.Val582Ile; replaces valine 582 with isoleucine.
Molecular consequence: missense variant.
Genome position (GRCh38, 1-based): chr14:87,941,485, C>T on the plus strand (G>A on the coding strand, the complement: GALC is on the minus strand). VCF-style: chr14-87941485-C-T. GRCh37 (hg19) VCF-style: chr14-88407829-C-T.
Other names: c.1675G>A, p.Val559Ile (NM_001201401.2); c.1666G>A, p.Val556Ile (NM_001201402.2); short protein forms V556I, V559I, V582I.
Identifiers: ClinVar variation 2421151 (VCV002421151.10), dbSNP rs1190930240, ClinGen allele CA390745775.

ClinVar aggregate classification (germline): Uncertain significance (1 of 4 stars; one submission).

Conditions:
Galactosylceramide beta-galactosidase deficiency. Also called: Leukodystrophy, Globoid Cell; Krabbe Disease; GALACTOCEREBROSIDASE DEFICIENCY; GALC DEFICIENCY; GLOBOID CELL LEUKOENCEPHALOPATHY. Identifiers: Orphanet 487, MedGen C0023521, MONDO:0009499, OMIM 245200.

Allele frequency attached by ClinVar (database versions not stated): gnomAD exomes below 0.00001; TOPMed 0.00001.

Submission:

Labcorp Genetics (formerly Invitae), Labcorp
Classification: Uncertain significance for Galactosylceramide beta-galactosidase deficiency. Last evaluated: 2022-07-26. Review status: criteria provided, single submitter. Criteria: Invitae Variant Classification Sherloc (09022015). Collection method: clinical testing. Allele origin: germline.
Comment: In summary, the available evidence is currently insufficient to determine the role of this variant in disease. Therefore, it has been classified as a Variant of Uncertain Significance. Advanced modeling of protein sequence and biophysical properties (such as structural, functional, and spatial information, amino acid conservation, physicochemical variation, residue mobility, and thermodynamic stability) performed at Invitae indicates that this missense variant is not expected to disrupt GALC protein function. This variant has not been reported in the literature in individuals affected with GALC-related conditions. This variant is not present in population databases (gnomAD no frequency). This sequence change replaces valine, which is neutral and non-polar, with isoleucine, which is neutral and non-polar, at codon 582 of the GALC protein (p.Val582Ile).